The following is an entry in ClinVar:

ClinVar aggregate classification (germline): Pathogenic (1 of 4 stars; one submission).

Conditions:
Hereditary factor XI deficiency disease. Also called: PLASMA THROMBOPLASTIN ANTECEDENT DEFICIENCY; PTA DEFICIENCY; ROSENTHAL SYNDROME; Congenital factor XI deficiency. Identifiers: Orphanet 329, MedGen C0015523, MeSH D005173, MONDO:0012897, OMIM 612416.

Submission:

Myriad Genetics, Inc.
Classification: Pathogenic for Hereditary factor XI deficiency disease. Last evaluated: 2025-10-08. Review status: criteria provided, single submitter. Criteria: Myriad Autosomal Dominant, Autosomal Recessive and X-Linked Classification Criteria (2023). Collection method: clinical testing. Allele origin: unknown.
Comment: NM_000128.3(F11):c.511C>T(Q171*) is expected to be pathogenic in the context of factor XI deficiency. This variant is predicted to lead to an abnormal or absent protein product due to the creation of a premature termination codon in F11, a gene where loss-of-function variants are known to be pathogenic. Please note: this variant was assessed in the context of healthy population screening.

NM_000128.4(F11):c.511C>T (p.Gln171Ter)

Gene: F11 (coagulation factor XI; plus strand). Cytogenetic location: 4q35.2.
Variant type: single nucleotide variant.
Coding change: c.511C>T on transcript NM_000128.4 (MANE Select); coding-DNA position 511, C replaced by T.
Protein change: p.Gln171Ter; replaces glutamine 171 with a stop codon.
Molecular consequence: nonsense. On other transcripts: intron variant (4).
Genome position (GRCh38, 1-based): chr4:186,275,812, C>T. VCF-style: chr4-186275812-C-T. GRCh37 (hg19) VCF-style: chr4-187196966-C-T.
Other names: c.511C>T, p.Gln171Ter (NM_001440590.1, NM_001440593.1, NM_001440596.1); c.485+1537C>T (NM_001440605.1, NM_001440607.1, NM_001440606.1 and 1 more transcripts); short protein forms Q171*.
Identifiers: ClinVar variation 5010352 (VCV005010352.1).
Genomic context (GRCh38, chr4:186,275,812, plus strand): 5'-AGAATAAGACACTTTTCCTTTTTCTTTTTATTCAGTAACATTTGTCTACTGAAGCACACC[C>T]AAACAGGGACACCAACCAGAATAACGAAGCTCGATAAAGTGGTGTCTGGATTTTCACTGA-3'